The following is an entry in ClinVar:

NM_001127649.3(PEX26):c.680A>T (p.His227Leu)

Gene: PEX26 (peroxisomal biogenesis factor 26; plus strand). Cytogenetic location: 22q11.21.
Variant type: single nucleotide variant.
Coding change: c.680A>T on transcript NM_001127649.3 (MANE Select); coding-DNA position 680, A replaced by T.
Protein change: p.His227Leu; replaces histidine 227 with leucine.
Molecular consequence: missense variant. On other transcripts: intron variant (1).
Genome position (GRCh38, 1-based): chr22:18,085,124, A>T. VCF-style: chr22-18085124-A-T. GRCh37 (hg19) VCF-style: chr22-18567890-A-T.
Other names: p.His227Leu; c.680A>T, p.His227Leu (NM_017929.6); c.667+1392A>T (NM_001199319.2); short protein forms H227L.
Identifiers: ClinVar variation 1406585 (VCV001406585.5), dbSNP rs776806184, ClinGen allele CA10093393.

ClinVar aggregate classification (germline): Uncertain significance. Review status: criteria provided, multiple submitters, no conflicts (2 of 4 stars). 2 submissions from 2 submitters: Uncertain significance (2). Last evaluated 2024-05-09.

Conditions:
Peroxisome biogenesis disorder 7A (Zellweger). Also called: Peroxisome biogenesis disorder 7A. Identifiers: Orphanet 912, MedGen C3888385, MONDO:0013938, OMIM 614872.
Peroxisome biogenesis disorder 7B (PBD7B). Identifiers: Orphanet 44, MedGen C3553951, MONDO:0013939, OMIM 614873.

Allele frequency attached by ClinVar (database versions not stated): ExAC 0.00001; gnomAD 0.00001; gnomAD exomes 0.00001; TOPMed 0.00001.

Submissions (2):

Mayo Clinic Laboratories, Mayo Clinic
Classification: Uncertain significance. Last evaluated: 2024-05-09. Review status: criteria provided, single submitter. Criteria: ACMG Guidelines, 2015. Collection method: clinical testing. Allele origin: germline. Observed: 1 variant allele.
Comment: PM2

Labcorp Genetics (formerly Invitae), Labcorp
Classification: Uncertain significance for Peroxisome biogenesis disorder 7A (Zellweger); Peroxisome biogenesis disorder 7B. Last evaluated: 2023-12-11. Review status: criteria provided, single submitter. Criteria: Invitae Variant Classification Sherloc (09022015). Collection method: clinical testing. Allele origin: germline.
Comment: This sequence change replaces histidine, which is basic and polar, with leucine, which is neutral and non-polar, at codon 227 of the PEX26 protein (p.His227Leu). This variant is present in population databases (rs776806184, gnomAD 0.01%). This variant has not been reported in the literature in individuals affected with PEX26-related conditions. ClinVar contains an entry for this variant (Variation ID: 1406585). Advanced modeling of protein sequence and biophysical properties (such as structural, functional, and spatial information, amino acid conservation, physicochemical variation, residue mobility, and thermodynamic stability) performed at Invitae indicates that this missense variant is expected to disrupt PEX26 protein function with a positive predictive value of 80%. In summary, the available evidence is currently insufficient to determine the role of this variant in disease. Therefore, it has been classified as a Variant of Uncertain Significance.